The following is an entry in ClinVar:

ClinVar aggregate classification (germline): Benign (0 of 4 stars; one submission).

Conditions:
DNAH17-related disorder. Also called: DNAH17-related condition.

Allele frequency attached by ClinVar (database versions not stated): ExAC 0.00289; ESP Exome Variant Server 0.00297; 1000 Genomes Project 30x 0.00578; 1000 Genomes Project 0.00579.
gnomAD v4.1: 1,356 of 1,561,538 alleles (0.087%); highest among the groups gnomAD compares: African/African-American, 1.4%; 10 homozygotes.

Submission:

PreventionGenetics, part of Exact Sciences
Classification: Benign for DNAH17-related condition. Last evaluated: 2019-03-25. Review status: no assertion criteria provided. Collection method: clinical testing. Allele origin: germline.
Comment: This variant is classified as benign based on ACMG/AMP sequence variant interpretation guidelines (Richards et al. 2015 PMID: 25741868, with internal and published modifications).

NM_173628.4(DNAH17):c.7642C>A (p.Arg2548=)

Genes: DNAH17 (dynein axonemal heavy chain 17; minus strand), LOC130061846 (ATAC-STARR-seq lymphoblastoid silent region 9069; plus strand). Cytogenetic location: 17q25.3.
Variant type: single nucleotide variant.
Coding change: c.7642C>A on transcript NM_173628.4 (MANE Select); coding-DNA position 7642, C replaced by A.
Protein change: p.Arg2548=; no amino-acid change (arginine 2548 retained).
Molecular consequence: synonymous variant.
Genome position (GRCh38, 1-based): chr17:78,484,875, G>T on the plus strand (C>A on the coding strand, the complement: DNAH17 is on the minus strand). VCF-style: chr17-78484875-G-T. GRCh37 (hg19) VCF-style: chr17-76480957-G-T.
Identifiers: ClinVar variation 3039643 (VCV003039643.2), dbSNP rs185564764, ClinGen allele CA8802231.